The following is an entry in ClinVar:

NM_001128178.3(NPHP1):c.1016C>G (p.Pro339Arg)

Gene: NPHP1 (nephrocystin 1; minus strand). Cytogenetic location: 2q13.
Variant type: single nucleotide variant.
Coding change: c.1016C>G on transcript NM_001128178.3 (MANE Select); coding-DNA position 1016, C replaced by G.
Protein change: p.Pro339Arg; replaces proline 339 with arginine.
Molecular consequence: missense variant.
Genome position (GRCh38, 1-based): chr2:110,160,194, G>C on the plus strand (C>G on the coding strand, the complement: NPHP1 is on the minus strand). VCF-style: chr2-110160194-G-C. GRCh37 (hg19) VCF-style: chr2-110917771-G-C.
Other names: c.1184C>G, p.Pro395Arg (NM_000272.5); c.827C>G, p.Pro276Arg (NM_001128179.3); c.1013C>G, p.Pro338Arg (NM_001374256.1); c.1016C>G, p.Pro339Arg (NM_001374257.1); c.1181C>G, p.Pro394Arg (NM_207181.4); short protein forms P395R, P276R, P339R, P394R, P338R.
Identifiers: ClinVar variation 595046 (VCV000595046.13), dbSNP rs746482479, ClinGen allele CA1827147.

ClinVar aggregate classification (germline): Uncertain significance. Review status: criteria provided, multiple submitters, no conflicts (2 of 4 stars). 4 submissions from 4 submitters: Uncertain significance (4). Last evaluated 2026-05-11.

Conditions:
NPHP1-related disorder. Also called: NPHP1-related disorders; NPHP1-related condition.
Nephronophthisis. Also called: Juvenile Nephronophthisis. Identifiers: Orphanet 655, MedGen C0687120, MONDO:0019005, HP:0000090.
Senior-Loken syndrome 1 (SLSN1). Also called: JUVENILE NEPHRONOPHTHISIS WITH LEBER AMAUROSIS. Identifiers: Orphanet 3156, MedGen C4551559, MONDO:0009962, OMIM 266900.
Nephronophthisis 1 (NPHP1). Also called: Nephronophthisis familial juvenile. Identifiers: Orphanet 655, Orphanet 93592, MedGen C1855681, MONDO:0009728, OMIM 256100.
Joubert syndrome with renal defect. Also called: JOUBERT SYNDROME 4. Identifiers: Orphanet 220497, MedGen C1846790, MONDO:0012308, OMIM 609583.

Allele frequency attached by ClinVar (database versions not stated): gnomAD 0.00001.
gnomAD v4.1: 9 of 1,611,970 alleles (0.00056%); highest among the groups gnomAD compares: Admixed American, 0.012%; no homozygotes.

Submissions (4):

PreventionGenetics, part of Exact Sciences
Classification: Uncertain significance for NPHP1-related condition. Last evaluated: 2026-05-11. Review status: criteria provided, single submitter. Criteria: ACMG Guidelines, 2015. Collection method: clinical testing. Allele origin: germline.
Comment: The NPHP1 c.1184C>G variant is predicted to result in the amino acid substitution p.Pro395Arg. To our knowledge, this variant has not been reported in the literature. This variant is reported in 0.014% of alleles in individuals of Latino descent in gnomAD. At this time, the clinical significance of this variant is uncertain due to the absence of conclusive functional and genetic evidence.

Labcorp Genetics (formerly Invitae), Labcorp
Classification: Uncertain significance for Nephronophthisis. Last evaluated: 2022-07-17. Review status: criteria provided, single submitter. Criteria: Invitae Variant Classification Sherloc (09022015). Collection method: clinical testing. Allele origin: germline.
Comment: This sequence change replaces proline, which is neutral and non-polar, with arginine, which is basic and polar, at codon 395 of the NPHP1 protein (p.Pro395Arg). This variant is present in population databases (rs746482479, gnomAD 0.01%). This variant has not been reported in the literature in individuals affected with NPHP1-related conditions. ClinVar contains an entry for this variant (Variation ID: 595046). Algorithms developed to predict the effect of missense changes on protein structure and function (SIFT, PolyPhen-2, Align-GVGD) all suggest that this variant is likely to be disruptive. In summary, the available evidence is currently insufficient to determine the role of this variant in disease. Therefore, it has been classified as a Variant of Uncertain Significance.

Fulgent Genetics
Classification: Uncertain significance for Nephronophthisis 1; Senior-Loken syndrome 1; Joubert syndrome with renal defect. Last evaluated: 2022-01-07. Review status: criteria provided, single submitter. Criteria: ACMG Guidelines, 2015. Collection method: clinical testing. Allele origin: unknown.

Eurofins Ntd Llc (ga)
Classification: Uncertain significance. Last evaluated: 2017-11-16. Review status: criteria provided, single submitter. Criteria: EGL Classification Definitions 2015. Collection method: clinical testing. Allele origin: germline. Observed: 1 variant allele, 1 heterozygote.